The following is an entry in ClinVar:

NM_001048174.2(MUTYH):c.996A>T (p.Arg332Ser)

Gene: MUTYH (mutY DNA glycosylase; minus strand). Cytogenetic location: 1p34.1.
Variant type: single nucleotide variant.
Coding change: c.996A>T on transcript NM_001048174.2 (MANE Select); coding-DNA position 996, A replaced by T.
Protein change: p.Arg332Ser; replaces arginine 332 with serine.
Molecular consequence: missense variant. On other transcripts: non-coding transcript variant (7).
Genome position (GRCh38, 1-based): chr1:45,331,767, T>A on the plus strand (A>T on the coding strand, the complement: MUTYH is on the minus strand). VCF-style: chr1-45331767-T-A. GRCh37 (hg19) VCF-style: chr1-45797439-T-A.
Other names: c.954A>T, p.Arg318Ser (NM_001407080.1); c.996A>T, p.Arg332Ser (NM_001048171.2, NM_001048173.2, NM_001293195.2 and 6 more transcripts); c.999A>T, p.Arg333Ser (NM_001048172.2, NM_001407071.1, NM_001407078.1 and 1 more transcripts); c.1080A>T, p.Arg360Ser (NM_001128425.2); c.1041A>T, p.Arg347Ser (NM_001293190.2); c.1029A>T, p.Arg343Ser (NM_001293191.2, NM_001407069.1, NM_001407077.1); c.720A>T, p.Arg240Ser (NM_001293192.2, NM_001293196.2, NM_001407091.1); c.651A>T, p.Arg217Ser (NM_001350650.2, NM_001350651.2, NM_001407082.1); and 5 more; short protein forms R319S, R333S, R339S, R217S, R346S, R240S, R318S, R347S.
Identifiers: ClinVar variation 4112988 (VCV004112988.1).
Genomic context (GRCh38, chr1:45,331,767, plus strand): 5'-AGGCTGTTCCAGAACACAGGTGGCAGAGCTCTCCTCCCTGGGGGGCTTGCGGCTGGCCTT[T>A]CTGGGGAAGTTGACCACTCCCAGGGTCTGGTCCCAGGGCTCCGAGGGAGGCAGGCACAGG-3'
Protein context (NP_001041639.1, residues 322-342): DQTLGVVNFP[Arg332Ser]KASRKPPREE

ClinVar aggregate classification (germline): Uncertain significance (1 of 4 stars; one submission).

Conditions:
Hereditary cancer-predisposing syndrome. Also called: Tumor predisposition; Neoplastic Syndromes, Hereditary; Hereditary neoplastic syndrome; Hereditary Cancer Syndrome. Identifiers: Orphanet 140162, MedGen C0027672, MeSH D009386, MONDO:0015356.

Submission:

Ambry Genetics
Classification: Uncertain significance for Hereditary cancer-predisposing syndrome. Last evaluated: 2025-08-27. Review status: criteria provided, single submitter. Criteria: Ambry Variant Classification Scheme 2023. Collection method: clinical testing. Allele origin: germline.
Comment: The p.R360S variant (also known as c.1080A>T), located in coding exon 12 of the MUTYH gene, results from an A to T substitution at nucleotide position 1080. The arginine at codon 360 is replaced by serine, an amino acid with dissimilar properties. This amino acid position is conserved. In addition, the in silico prediction for this alteration is inconclusive. Based on the available evidence, the clinical significance of this variant remains unclear.